The following is an entry in ClinVar:

ClinVar aggregate classification (germline): Uncertain significance (1 of 4 stars; one submission).

gnomAD v4.1: 5 of 1,614,162 alleles (0.00031%); highest among the groups gnomAD compares: Admixed American, 0.0017%; no homozygotes.

Submission:

Labcorp Genetics (formerly Invitae), Labcorp
Classification: Uncertain significance. Last evaluated: 2022-07-12. Review status: criteria provided, single submitter. Criteria: Invitae Variant Classification Sherloc (09022015). Collection method: clinical testing. Allele origin: germline.
Comment: In summary, the available evidence is currently insufficient to determine the role of this variant in disease. Therefore, it has been classified as a Variant of Uncertain Significance. Algorithms developed to predict the effect of sequence changes on RNA splicing suggest that this variant may create or strengthen a splice site. Advanced modeling of protein sequence and biophysical properties (such as structural, functional, and spatial information, amino acid conservation, physicochemical variation, residue mobility, and thermodynamic stability) performed at Invitae indicates that this missense variant is expected to disrupt CNGA3 protein function. This variant has not been reported in the literature in individuals affected with CNGA3-related conditions. This variant is present in population databases (no rsID available, gnomAD 0.003%). This sequence change replaces asparagine, which is neutral and polar, with serine, which is neutral and polar, at codon 299 of the CNGA3 protein (p.Asn299Ser).

NM_001298.3(CNGA3):c.896A>G (p.Asn299Ser)

Gene: CNGA3 (cyclic nucleotide gated channel subunit alpha 3; plus strand). Cytogenetic location: 2q11.2.
Variant type: single nucleotide variant.
Coding change: c.896A>G on transcript NM_001298.3 (MANE Select); coding-DNA position 896, A replaced by G.
Protein change: p.Asn299Ser; replaces asparagine 299 with serine.
Molecular consequence: missense variant.
Genome position (GRCh38, 1-based): chr2:98,396,066, A>G. VCF-style: chr2-98396066-A-G. GRCh37 (hg19) VCF-style: chr2-99012529-A-G.
Other names: c.842A>G, p.Asn281Ser (NM_001079878.2); short protein forms N281S, N299S.
Identifiers: ClinVar variation 2027021 (VCV002027021.4), dbSNP rs770185966, ClinGen allele CA347832374.